The following is an entry in ClinVar:

ClinVar aggregate classification (germline): Uncertain significance (1 of 4 stars; one submission).

gnomAD v4.1: 3 of 1,612,140 alleles (0.00019%); highest among the groups gnomAD compares: Admixed American, 0.0033%; no homozygotes.

Submission:

Women's Health and Genetics/Laboratory Corporation of America, LabCorp
Classification: Uncertain significance. Last evaluated: 2025-07-09. Review status: criteria provided, single submitter. Criteria: LabCorp Variant Classification Summary - May 2015. Collection method: clinical testing. Allele origin: germline.
Comment: Variant summary: TNPO2 c.2209+15A>G alters a nucleotide located at a position not widely known to affect splicing. Several computational tools predict a significant impact on normal splicing: Two predict the variant creates a cryptic 5' donor site. Four predict the variant no significant impact on splicing. However, these predictions have yet to be confirmed by functional studies. The variant allele was found at a frequency of 8e-06 in 248996 control chromosomes. The available data on variant occurrences in the general population are insufficient to allow any conclusion about variant significance. To our knowledge, no occurrence of c.2209+15A>G in individuals affected with Intellectual Developmental Disorder With Hypotonia, Impaired Speech, And Dysmorphic Facies and no experimental evidence demonstrating its impact on protein function have been reported. No submitters have cited clinical-significance assessments for this variant to ClinVar. Based on the evidence outlined above, the variant was classified as uncertain significance.

NM_001382241.1(TNPO2):c.2209+15A>G

Gene: TNPO2 (transportin 2; minus strand). Cytogenetic location: 19p13.13.
Variant type: single nucleotide variant.
Coding change: c.2209+15A>G on transcript NM_001382241.1 (MANE Select); 15 bases into the intron after coding-DNA position 2209, A replaced by G.
Molecular consequence: intron variant.
Genome position (GRCh38, 1-based): chr19:12,703,413, T>C on the plus strand (A>G on the coding strand, the complement: TNPO2 is on the minus strand). VCF-style: chr19-12703413-T-C. GRCh37 (hg19) VCF-style: chr19-12814227-T-C.
Other names: c.2209+15A>G (NM_001382237.1, NM_001382240.1, NM_001382238.1 and 7 more transcripts).
Identifiers: ClinVar variation 4526056 (VCV004526056.1).